The following is an entry in ClinVar:

NC_000009.12:g.35657744A>G

Gene: RMRP (RNA component of mitochondrial RNA processing endoribonuclease; minus strand). Cytogenetic location: 9p13.3.
Variant type: single nucleotide variant.
Genome position: GRCh38 VCF-style: chr9-35657744-A-G. GRCh37 (hg19) VCF-style: chr9-35657741-A-G.
Identifiers: ClinVar variation 1164489 (VCV001164489.14), dbSNP rs71521283, ClinGen allele CA5045801.
Genomic context (GRCh38, chr9:35,657,744, plus strand): 5'-GAGGTGAGGCATCGCGTGAGCCCGGGGAGGTCGAGGCTGCAGTGAGCCGTGGTCTCGGGA[A>G]CAAAAAACAGCCGCGCTGAGAATGAGCCCCGTGTGGTTGGTGCGCGGACACGCACTGCCT-3'

ClinVar aggregate classification (germline): Benign. Review status: reviewed by expert panel (3 of 4 stars). 6 submissions from 6 submitters: Benign (1). 5 of the submissions do not count toward it. Last evaluated 2025-09-10.

Conditions:
Metaphyseal chondrodysplasia, McKusick type (CHH). Also called: Cartilage-Hair Hypoplasia (CHH); Cartilage-hair hypoplasia. Identifiers: Orphanet 175, MedGen C0220748, MONDO:0009595, OMIM 250250.
Anauxetic dysplasia. Identifiers: Orphanet 93347, MedGen C1846796, MONDO:0011773.

Allele frequency attached by ClinVar (database versions not stated): ExAC 0.36947; 1000 Genomes Project 30x 0.15303; gnomAD 0.17718 and 0.18064; gnomAD exomes 0.21757 and 0.22751; 1000 Genomes Project 0.15575; TOPMed 0.17593.

Submissions (6):

ClinGen Severe Combined Immunodeficiency Variant Curation Expert Panel, ClinGen
Classification: Benign for Metaphyseal chondrodysplasia, McKusick type. Last evaluated: 2025-09-10. Review status: reviewed by expert panel. Criteria: ClinGen SCID ACMG Specifications RMRP V1.2.0. Collection method: curation. Allele origin: germline. Inheritance: Autosomal recessive inheritance.
Comment: The NC_000009.12:g.35657744A>G variant is upstream of the transcribed region of the RMRP gene. The Grpmax Filtering allele frequency of this variant is 0.2599 in gnomAD v4.1.0, which is higher than the SCID-VCEP's threshold for BA1 (>0.00400) (BA1). Therefore, this variant meets the criteria to be classified as benign for cartilage-hair hypoplasia. ACMG/AMP criteria applied, as specified by the ClinGen SCID-VCEP: BA1. (VCEP specifications version 1.0)

Women's Health and Genetics/Laboratory Corporation of America, LabCorp
Classification: Benign. Last evaluated: 2026-05-04. Review status: criteria provided, single submitter. Criteria: LabCorp Variant Classification Summary - May 2015. Collection method: clinical testing. Allele origin: germline. Not counted in ClinVar's aggregate classification.
Comment: Variant summary: RMRP n.275T>C (also known as NC_000009.11:g.35657741A>G, n.*7T>C) alters a nonconserved nucleotide that is located downstream to the 3' end of the non-coding RNA. The variant allele was found at a frequency of 0.22 in 675240 control chromosomes in the gnomAD database, including 17217 homozygotes. The observed variant frequency exceeds the estimated maximal expected allele frequency for disease-causing variants in RMRP. To our knowledge, no experimental evidence demonstrating an impact on RNA function has been reported. ClinVar contains an entry for this variant (Variation ID: 1164489). Based on the evidence outlined above, the variant was classified as benign.

Labcorp Genetics (formerly Invitae), Labcorp
Classification: Benign for Anauxetic dysplasia. Last evaluated: 2026-02-04. Review status: criteria provided, single submitter. Criteria: Invitae Variant Classification Sherloc (09022015). Collection method: clinical testing. Allele origin: germline. Not counted in ClinVar's aggregate classification.

ARUP Laboratories, Molecular Genetics and Genomics, ARUP Laboratories
Classification: Benign. Last evaluated: 2025-07-28. Review status: criteria provided, single submitter. Criteria: ARUP Molecular Germline Variant Investigation Process 2024. Collection method: clinical testing. Allele origin: germline. Not counted in ClinVar's aggregate classification.

Blueprint Genetics
Classification: Benign. Last evaluated: 2024-11-27. Review status: criteria provided, single submitter. Criteria: ACMG Guidelines, 2015. Collection method: clinical testing. Allele origin: germline. Not counted in ClinVar's aggregate classification.

Breakthrough Genomics
Classification: Benign. Review status: criteria provided, single submitter. Criteria: ACMG Guidelines, 2015. Collection method: not provided. Allele origin: germline. Inheritance: Autosomal recessive inheritance. Affected: yes. Not counted in ClinVar's aggregate classification.